The following is an entry in ClinVar:

NM_002225.5(IVD):c.397_398del (p.Cys133fs)

Gene: IVD (isovaleryl-CoA dehydrogenase; plus strand). Cytogenetic location: 15q15.1.
Variant type: Deletion.
Coding change: c.397_398del on transcript NM_002225.5 (MANE Select); coding-DNA positions 397 to 398, 2 bases deleted (TG; older notation c.397_398delTG).
Protein change: p.Cys133fs; shifts the reading frame from cysteine 133.
Molecular consequence: frameshift variant. On other transcripts: non-coding transcript variant (1).
Genome position (GRCh38, 1-based): chr15:40,410,738-40,410,739, TG deleted. VCF-style (leftmost placement, unchanged base first): chr15-40410737-CTG-C. GRCh37 (hg19) VCF-style: chr15-40702936-CTG-C.
Other names: c.307_308del, p.Cys103fs (NM_001159508.3); c.349_350del, p.Cys117fs (NM_001354597.3); c.397_398del, p.Cys133fs (NM_001354598.3, NM_001354601.3); c.484_485del, p.Cys162fs (NM_001354599.3, NM_001354600.3); short protein forms C103fs, C117fs, C133fs, C162fs.
Identifiers: ClinVar variation 94054 (VCV000094054.13), dbSNP rs398123682, ClinGen allele CA221935.

ClinVar aggregate classification (germline): Pathogenic/Likely pathogenic. Review status: criteria provided, multiple submitters, no conflicts (2 of 4 stars). 5 submissions from 5 submitters: Pathogenic (3); Likely pathogenic (1). 1 of the submissions does not count toward it. Last evaluated 2024-12-17.

Conditions:
Isovaleryl-CoA dehydrogenase deficiency (IVA). Also called: IVD DEFICIENCY; Isovaleric acidemia; Classic Isovaleric Acidemia; ISOVALERIC ACID CoA DEHYDROGENASE DEFICIENCY. Identifiers: Orphanet 33, MedGen C0268575, MONDO:0009475, OMIM 243500.

Allele frequency attached by ClinVar (database versions not stated): gnomAD exomes below 0.00001 and 0.00001; TOPMed below 0.00001; gnomAD 0.00001.

Submissions (5):

Natera, Inc.
Classification: Likely pathogenic for Isovaleryl-coa dehydrogenase deficiency. Last evaluated: 2024-12-17. Review status: criteria provided, single submitter. Criteria: Natera Variant Classification Schema (03/2026). Collection method: clinical testing. Allele origin: germline.
Comment: The c.406_407delTG variant in IVD is a frameshift variant predicted to shift the reading frame beginning at codon 136 and leads to a stop codon 10 codons downstream. This variant is expected to result in nonsense mediated decay, truncation, or a dysfunctional protein product. This variant is rare in the general population with a frequency below the threshold expected for the associated phenotype(s). Given the available evidence, this variant is classified as Likely Pathogenic.

Baylor Genetics
Classification: Pathogenic for Isovaleryl-CoA dehydrogenase deficiency. Last evaluated: 2023-06-26. Review status: criteria provided, single submitter. Criteria: ACMG Guidelines, 2015. Collection method: clinical testing. Allele origin: unknown.

Labcorp Genetics (formerly Invitae), Labcorp
Classification: Pathogenic for Isovaleryl-CoA dehydrogenase deficiency. Last evaluated: 2023-05-22. Review status: criteria provided, single submitter. Criteria: Invitae Variant Classification Sherloc (09022015). Collection method: clinical testing. Allele origin: germline.
Comment: For these reasons, this variant has been classified as Pathogenic. ClinVar contains an entry for this variant (Variation ID: 94054). This variant has not been reported in the literature in individuals affected with IVD-related conditions. This variant is present in population databases (rs398123682, gnomAD 0.0009%). This sequence change creates a premature translational stop signal (p.Cys136Hisfs*10) in the IVD gene. It is expected to result in an absent or disrupted protein product. Loss-of-function variants in IVD are known to be pathogenic (PMID: 16602101).

Eurofins Ntd Llc (ga)
Classification: Pathogenic. Last evaluated: 2012-08-22. Review status: criteria provided, single submitter. Criteria: EGL Classification Definitions. Collection method: clinical testing. Allele origin: germline. Observed: 1 variant allele, 1 heterozygote.

Counsyl
Classification: Likely pathogenic for Isovaleryl-CoA dehydrogenase deficiency. Last evaluated: 2016-06-27. Review status: no assertion criteria provided. Collection method: clinical testing. Allele origin: unknown. Not counted in ClinVar's aggregate classification.

Literature cited by the submitters: PubMed 16602101 (cited by Labcorp Genetics (formerly Invitae), Labcorp).